The following is an entry in ClinVar:

ClinVar aggregate classification (germline): Likely benign. Review status: criteria provided, multiple submitters, no conflicts (2 of 4 stars). 2 submissions from 2 submitters: Likely benign (2). Last evaluated 2026-05-03.

Conditions:
Inborn genetic diseases. Identifiers: MedGen C0950123, MeSH D030342.

Allele frequency attached by ClinVar (database versions not stated): TOPMed 0.00001; gnomAD exomes 0.00002 and 0.00001; ExAC 0.00002; gnomAD 0.00002.
gnomAD v4.1: 12 of 1,614,116 alleles (0.00074%); highest among the groups gnomAD compares: East Asian, 0.0022%; no homozygotes.

Submissions (2):

Ambry Genetics
Classification: Likely benign for Inborn genetic diseases. Last evaluated: 2026-05-03. Review status: criteria provided, single submitter. Criteria: Ambry Variant Classification Scheme 2023. Collection method: clinical testing. Allele origin: germline.

GeneDx
Classification: Likely benign. Last evaluated: 2016-03-07. Review status: criteria provided, single submitter. Criteria: GeneDx Variant Classification (06012015). Collection method: clinical testing. Allele origin: germline. Affected: yes.
Comment: This variant is considered likely benign or benign based on one or more of the following criteria: it is a conservative change, it occurs at a poorly conserved position in the protein, it is predicted to be benign by multiple in silico algorithms, and/or has population frequency not consistent with disease.

NM_000053.4(ATP7B):c.1215C>T (p.Pro405=)

Gene: ATP7B (ATPase copper transporting beta; minus strand). Cytogenetic location: 13q14.3.
Variant type: single nucleotide variant.
Coding change: c.1215C>T on transcript NM_000053.4 (MANE Select); coding-DNA position 1215, C replaced by T.
Protein change: p.Pro405=; no amino-acid change (proline 405 retained).
Molecular consequence: synonymous variant.
Genome position (GRCh38, 1-based): chr13:51,974,005, G>A on the plus strand (C>T on the coding strand, the complement: ATP7B is on the minus strand). VCF-style: chr13-51974005-G-A. GRCh37 (hg19) VCF-style: chr13-52548141-G-A.
Other names: c.1215C>T, p.Pro405= (NM_001005918.3, NM_001330578.2, NM_001330579.2); c.882C>T, p.Pro294= (NM_001243182.2).
Identifiers: ClinVar variation 383036 (VCV000383036.2), dbSNP rs201020290, ClinGen allele CA6989412.